The following is an entry in ClinVar:

NM_000535.7(PMS2):c.2275+2T>C

Gene: PMS2 (PMS1 homolog 2, mismatch repair system component; minus strand). Cytogenetic location: 7p22.1.
Variant type: single nucleotide variant.
Coding change: c.2275+2T>C on transcript NM_000535.7 (MANE Select); the canonical splice donor site of the intron after coding-DNA position 2275, T replaced by C.
Molecular consequence: splice donor variant. On other transcripts: intron variant (2).
Genome position (GRCh38, 1-based): chr7:5,978,594, A>G on the plus strand (T>C on the coding strand, the complement: PMS2 is on the minus strand). VCF-style: chr7-5978594-A-G. GRCh37 (hg19) VCF-style: chr7-6018225-A-G.
Other names: c.1957+2T>C (NM_001322008.2, NM_001406883.1, NM_001322007.2 and 1 more transcripts); c.1966+2T>C (NM_001406881.1, NM_001406879.1, NM_001322015.2 and 5 more transcripts); c.1870+2T>C (NM_001406895.1, NM_001322004.2, NM_001406889.1 and 14 more transcripts); c.1504+2T>C (NM_001406911.1); c.1714+2T>C (NM_001322010.2, NM_001406906.1, NM_001406907.1); c.1801+2T>C (NM_001406902.1, NM_001406901.1); c.1762+2T>C (NM_001406904.1, NM_001406905.1); c.1702+2T>C (NM_001322013.2, NM_001406908.1, NM_001406909.1); and 16 more.
Identifiers: ClinVar variation 579088 (VCV000579088.11), dbSNP rs1562604682, ClinGen allele CA366736378.

ClinVar aggregate classification (germline): Pathogenic/Likely pathogenic. Review status: criteria provided, multiple submitters, no conflicts (2 of 4 stars). 4 submissions from 4 submitters: Pathogenic (1); Likely pathogenic (3). Last evaluated 2023-09-22.

Conditions:
Lynch syndrome 4 (LYNCH4). Also called: Colorectal cancer, hereditary nonpolyposis, type 4; Hereditary non-polyposis colorectal cancer, type 4. Identifiers: Orphanet 144, MedGen C1838333, MONDO:0013699, OMIM 614337. Disease mechanism: loss of function.
PMS2-related disorder. Also called: PMS2-related condition.
Hereditary nonpolyposis colorectal neoplasms. Identifiers: MedGen C0009405, MeSH D003123.
Hereditary cancer-predisposing syndrome. Also called: Neoplastic Syndromes, Hereditary; Tumor predisposition; Hereditary neoplastic syndrome; Hereditary Cancer Syndrome. Identifiers: Orphanet 140162, MedGen C0027672, MeSH D009386, MONDO:0015356.

Submissions (4):

Myriad Genetics, Inc.
Classification: Likely pathogenic for Lynch syndrome 4. Last evaluated: 2023-09-22. Review status: criteria provided, single submitter. Criteria: Myriad Autosomal Dominant, Autosomal Recessive and X-Linked Classification Criteria (2023). Collection method: clinical testing. Allele origin: unknown.
Comment: This variant is considered likely pathogenic. This variant occurs within a consensus splice junction and is predicted to result in abnormal mRNA splicing of either an out-of-frame exon or an in-frame exon necessary for protein stability and/or normal function.

PreventionGenetics, part of Exact Sciences
Classification: Likely pathogenic for PMS2-related condition. Last evaluated: 2022-08-21. Review status: criteria provided, single submitter. Criteria: ACMG Guidelines, 2015. Collection method: clinical testing. Allele origin: germline.
Comment: The PMS2 c.2275+2T>C variant is predicted to disrupt the GT donor site and interfere with normal splicing. To our knowledge, this variant has not been reported in the literature or in a large population database, indicating this variant is rare. This variant is interpreted as pathogenic in ClinVar. This variant falls within a highly paralogous region. Allele frequency data should be interpreted with caution. Variants that disrupt the consensus splice donor site in PMS2 are expected to be pathogenic. This variant is interpreted as likely pathogenic.

Labcorp Genetics (formerly Invitae), Labcorp
Classification: Pathogenic for Hereditary nonpolyposis colorectal neoplasms. Last evaluated: 2022-01-12. Review status: criteria provided, single submitter. Criteria: Invitae Variant Classification Sherloc (09022015). Collection method: clinical testing. Allele origin: germline.
Comment: This sequence change affects a donor splice site in intron 13 of the PMS2 gene. It is expected to disrupt RNA splicing. Variants that disrupt the donor or acceptor splice site typically lead to a loss of protein function (PMID: 16199547), and loss-of-function variants in PMS2 are known to be pathogenic (PMID: 21376568, 24362816). The frequency data for this variant in the population databases (gnomAD) is considered unreliable due to the presence of homologous sequence, such as pseudogenes or paralogs, in the genome. Disruption of this splice site has been observed in individuals with clinical features of Lynch syndrome (PMID: 31992580, 33193653; Invitae). ClinVar contains an entry for this variant (Variation ID: 579088). Algorithms developed to predict the effect of sequence changes on RNA splicing suggest that this variant may disrupt the consensus splice site. For these reasons, this variant has been classified as Pathogenic.

Ambry Genetics
Classification: Likely pathogenic for Hereditary cancer-predisposing syndrome. Last evaluated: 2020-10-05. Review status: criteria provided, single submitter. Criteria: Ambry Variant Classification Scheme 2023. Collection method: clinical testing. Allele origin: germline.
Comment: The c.2275+2T>C intronic variant results from a T to C substitution two nucleotides after coding exon 13 in the PMS2 gene. This nucleotide position is highly conserved in available vertebrate species. In silico splice site analysis predicts that this alteration will weaken the native splice donor site; however, direct evidence is unavailable. Alterations that disrupt the canonical splice site are expected to cause aberrant splicing, resulting in an abnormal protein or a transcript that is subject to nonsense-mediated mRNA decay. As such, this alteration is classified as likely pathogenic.

Literature cited by the submitters: PubMed 16199547 (cited by Labcorp Genetics (formerly Invitae), Labcorp); PubMed 21376568 (cited by Labcorp Genetics (formerly Invitae), Labcorp); PubMed 24362816 (cited by Labcorp Genetics (formerly Invitae), Labcorp); PubMed 31992580 (cited by Labcorp Genetics (formerly Invitae), Labcorp); PubMed 33193653 (cited by Labcorp Genetics (formerly Invitae), Labcorp).